The following is an entry in ClinVar:

ClinVar aggregate classification (germline): Uncertain significance (1 of 4 stars; one submission).

Allele frequency attached by ClinVar (database versions not stated): gnomAD exomes below 0.00001.
gnomAD v4.1: 1 of 1,210,569 alleles (0.000083%); highest among the groups gnomAD compares: South Asian, 0.0018%; no homozygotes.

Submission:

GeneDx
Classification: Uncertain significance. Last evaluated: 2022-03-10. Review status: criteria provided, single submitter. Criteria: GeneDx Variant Classification Process June 2021. Collection method: clinical testing. Allele origin: germline. Affected: yes.
Comment: Not observed at significant frequency in large population cohorts (gnomAD); In silico analysis supports that this missense variant has a deleterious effect on protein structure/function; Has not been previously published as pathogenic or benign to our knowledge

NM_004606.5(TAF1):c.410C>T (p.Pro137Leu)

Gene: TAF1 (TATA-box binding protein associated factor 1; plus strand). Cytogenetic location: Xq13.1.
Variant type: single nucleotide variant.
Coding change: c.410C>T on transcript NM_004606.5 (MANE Select); coding-DNA position 410, C replaced by T.
Protein change: p.Pro137Leu; replaces proline 137 with leucine.
Molecular consequence: missense variant. On other transcripts: non-coding transcript variant (9).
Genome position (GRCh38, 1-based): chrX:71,375,224, C>T. VCF-style: chrX-71375224-C-T. GRCh37 (hg19) VCF-style: chrX-70595074-C-T.
Other names: c.410C>T, p.Pro137Leu (NM_001286074.2, NM_138923.4); short protein forms P137L, P157L.
Identifiers: ClinVar variation 1704930 (VCV001704930.2), dbSNP rs1192438562, ClinGen allele CA413503626.